The following is an entry in ClinVar:

ClinVar aggregate classification (germline): Uncertain significance (1 of 4 stars; one submission).

Conditions:
Hereditary cancer-predisposing syndrome. Also called: Tumor predisposition; Hereditary neoplastic syndrome; Hereditary Cancer Syndrome; Neoplastic Syndromes, Hereditary. Identifiers: Orphanet 140162, MedGen C0027672, MeSH D009386, MONDO:0015356.

Submission:

Ambry Genetics
Classification: Uncertain significance for Hereditary cancer-predisposing syndrome. Last evaluated: 2023-11-09. Review status: criteria provided, single submitter. Criteria: Ambry Variant Classification Scheme 2023. Collection method: clinical testing. Allele origin: germline.
Comment: The p.S716G variant (also known as c.2146A>G), located in coding exon 12 of the ALK gene, results from an A to G substitution at nucleotide position 2146. The serine at codon 716 is replaced by glycine, an amino acid with similar properties. This amino acid position is conserved. In addition, this alteration is predicted to be tolerated by in silico analysis. Since supporting evidence is limited at this time, the clinical significance of this alteration remains unclear.

NM_004304.5(ALK):c.2146A>G (p.Ser716Gly)

Gene: ALK (ALK receptor tyrosine kinase; minus strand). Cytogenetic location: 2p23.2.
Variant type: single nucleotide variant.
Coding change: c.2146A>G on transcript NM_004304.5 (MANE Select); coding-DNA position 2146, A replaced by G.
Protein change: p.Ser716Gly; replaces serine 716 with glycine.
Molecular consequence: missense variant.
Genome position (GRCh38, 1-based): chr2:29,251,163, T>C on the plus strand (A>G on the coding strand, the complement: ALK is on the minus strand). VCF-style: chr2-29251163-T-C. GRCh37 (hg19) VCF-style: chr2-29474029-T-C.
Other names: short protein forms S716G.
Identifiers: ClinVar variation 3223818 (VCV003223818.1), dbSNP rs2465290847, ClinGen allele CA346476878.
Genomic context (GRCh38, chr2:29,251,163, plus strand): 5'-ACCTGTAGGTGTCGGTGGCTGGCACCTTCCAGATCTGGATGCCTTTCAGGGGGCCCTCGC[T>C]CCCCACCTCCACGCTCAGGTTGGAGTTCTGGTAGGCGTTGTTGCACTGTGCCTGGGTGGG-3'
Protein context (NP_004295.2, residues 706-726): QNSNLSVEVG[Ser716Gly]EGPLKGIQIW